The following is an entry in ClinVar:

ClinVar aggregate classification (germline): Pathogenic (1 of 4 stars; one submission).

Conditions:
Combined immunodeficiency due to LRBA deficiency. Also called: Common variable immunodeficiency 8, with autoimmunity. Identifiers: Orphanet 445018, MedGen C3553512, MONDO:0013863, OMIM 614700.

Submission:

Labcorp Genetics (formerly Invitae), Labcorp
Classification: Pathogenic for Combined immunodeficiency due to LRBA deficiency. Last evaluated: 2022-09-05. Review status: criteria provided, single submitter. Criteria: Invitae Variant Classification Sherloc (09022015). Collection method: clinical testing. Allele origin: germline.
Comment: For these reasons, this variant has been classified as Pathogenic. This variant has not been reported in the literature in individuals affected with LRBA-related conditions. This variant is not present in population databases (gnomAD no frequency). This sequence change creates a premature translational stop signal (p.Gly908Argfs*13) in the LRBA gene. It is expected to result in an absent or disrupted protein product. Loss-of-function variants in LRBA are known to be pathogenic (PMID: 26206937, 26768763).

Literature cited by the submitters: PubMed 26206937; PubMed 26768763.

NM_001364905.1(LRBA):c.2722_2738del (p.Gly908fs)

Gene: LRBA (LPS responsive beige-like anchor protein; minus strand). Cytogenetic location: 4q31.3.
Variant type: Deletion.
Coding change: c.2722_2738del on transcript NM_001364905.1 (MANE Select); coding-DNA positions 2722 to 2738, 17 bases deleted (GGCTGGCGTGTATGGGT).
Protein change: p.Gly908fs; shifts the reading frame from glycine 908.
Molecular consequence: frameshift variant.
Genome position (GRCh38, 1-based): chr4:150,867,699-150,867,715, ACCCATACACGCCAGCC deleted on the plus strand (GGCTGGCGTGTATGGGT on the coding strand, the reverse complement: LRBA is on the minus strand); deleting any 17 consecutive bases within chr4:150,867,699-150,867,719 gives the same sequence; the c. name uses the placement nearest the transcript's 3' end. VCF-style (leftmost placement, unchanged base first): chr4-150867698-TACCCATACACGCCAGCC-T. GRCh37 (hg19) VCF-style: chr4-151788850-TACCCATACACGCCAGCC-T.
Other names: c.2718_2734del17, p.Gly908Argfs (NM_001199282.3, NM_006726.5); c.2722_2738del, p.Gly908fs (NM_001367550.1); short protein forms G908fs.
Identifiers: ClinVar variation 2029101 (VCV002029101.4), dbSNP rs2546545055, ClinGen allele CA2580071600.
Genomic context (GRCh38, chr4:150,867,698, plus strand): 5'-AATGCTACAATACGCTTTCATAAAGAAACTTACCTTTGAATGAGTGATTGATAAAGTGTC[TACCCATACACGCCAGCC>T]ACCCCACTCATATTTGACTGCATGGTAAAGCAGGATTCTGAATATGGCGTATACCATTTC-3'